The following is an entry in ClinVar:

NM_139318.5(KCNH5):c.2890del (p.Gln964fs)

Gene: KCNH5 (potassium voltage-gated channel subfamily H member 5; minus strand). Cytogenetic location: 14q23.2.
Variant type: Deletion.
Coding change: c.2890del on transcript NM_139318.5 (MANE Select); coding-DNA position 2890, one base deleted (C; older notation c.2890delC).
Protein change: p.Gln964fs; shifts the reading frame from glutamine 964.
Molecular consequence: frameshift variant. On other transcripts: 3 prime UTR variant (1).
Genome position (GRCh38, 1-based): chr14:62,707,585, G deleted on the plus strand (C on the coding strand, the reverse complement: KCNH5 is on the minus strand); the first of 7 consecutive G bases (chr14:62,707,585-62,707,591); deleting any one gives the same sequence. VCF-style (leftmost placement, unchanged base first): chr14-62707584-TG-T. GRCh37 (hg19) VCF-style: chr14-63174302-TG-T.
Other names: c.*857del (NM_172375.3); short protein forms Q964fs.
Identifiers: ClinVar variation 1999024 (VCV001999024.4), dbSNP rs35940222, ClinGen allele CA645586615.

ClinVar aggregate classification (germline): Uncertain significance (1 of 4 stars; one submission).

Conditions:
Early-infantile DEE. Also called: Ohtahara syndrome; Early infantile epileptic encephalopathy; Early infantile epileptic encephalopathy with suppression bursts. Identifiers: Orphanet 1934, MedGen C0393706, MONDO:0800491.

Submission:

Labcorp Genetics (formerly Invitae), Labcorp
Classification: Uncertain significance for Early-infantile DEE. Last evaluated: 2022-05-25. Review status: criteria provided, single submitter. Criteria: Invitae Variant Classification Sherloc (09022015). Collection method: clinical testing. Allele origin: germline.
Comment: This variant has not been reported in the literature in individuals affected with KCNH5-related conditions. In summary, the available evidence is currently insufficient to determine the role of this variant in disease. Therefore, it has been classified as a Variant of Uncertain Significance. Experimental studies and prediction algorithms are not available or were not evaluated, and the functional significance of this variant is currently unknown. This variant is not present in population databases (gnomAD no frequency). This sequence change results in a frameshift in the KCNH5 gene (p.Gln964Argfs*59). While this is not anticipated to result in nonsense mediated decay, it is expected to disrupt the last 25 amino acid(s) of the KCNH5 protein and extend the protein by 33 additional amino acid residues.